The following is an entry in ClinVar:

NM_000297.4(PKD2):c.1365G>A (p.Trp455Ter)

Gene: PKD2 (polycystin 2, transient receptor potential cation channel; plus strand). Cytogenetic location: 4q22.1.
Variant type: single nucleotide variant.
Coding change: c.1365G>A on transcript NM_000297.4 (MANE Select); coding-DNA position 1365, G replaced by A.
Protein change: p.Trp455Ter; replaces tryptophan 455 with a stop codon.
Molecular consequence: nonsense. On other transcripts: non-coding transcript variant (1).
Genome position (GRCh38, 1-based): chr4:88,046,687, G>A. VCF-style: chr4-88046687-G-A. GRCh37 (hg19) VCF-style: chr4-88967839-G-A.
Other names: c.1365G>A (NM_000297.3); short protein forms W455*.
Identifiers: ClinVar variation 805198 (VCV000805198.10), dbSNP rs1578135870, ClinGen allele CA357618629.

ClinVar aggregate classification (germline): Pathogenic. Review status: criteria provided, multiple submitters, no conflicts (2 of 4 stars). 6 submissions from 6 submitters: Pathogenic (6). Last evaluated 2023-07-18.

Conditions:
PKD2-related disorder. Also called: PKD2-related condition.
Autosomal dominant polycystic kidney disease. Identifiers: Orphanet 730, MedGen C0085413, MONDO:0004691.
Polycystic kidney disease 2 (PKD2). Also called: Polycystic Kidney Disease 2, Autosomal Dominant; POLYCYSTIC KIDNEY DISEASE, ADULT, TYPE II; POLYCYSTIC KIDNEY DISEASE 2 WITH OR WITHOUT POLYCYSTIC LIVER DISEASE. Identifiers: MedGen C2751306, MONDO:0013131, OMIM 613095.

Submissions (6):

GeneDx
Classification: Pathogenic. Last evaluated: 2023-07-18. Review status: criteria provided, single submitter. Criteria: GeneDx Variant Classification Process June 2021. Collection method: clinical testing. Allele origin: germline. Affected: yes.
Comment: Nonsense variant predicted to result in protein truncation or nonsense mediated decay in a gene for which loss-of-function is a known mechanism of disease; Not observed in large population cohorts (gnomAD); This variant is associated with the following publications: (PMID: 25525159, 17100995, 31740684)

PreventionGenetics, part of Exact Sciences
Classification: Pathogenic for PKD2-related condition. Last evaluated: 2023-03-08. Review status: criteria provided, single submitter. Criteria: ACMG Guidelines, 2015. Collection method: clinical testing. Allele origin: germline.
Comment: The PKD2 c.1365G>A variant is predicted to result in premature protein termination (p.Trp455*). This variant has been reported to be causative for autosomal dominant polycystic kidney disease (ADPKD) (see for example at Chung et al. 2006. PubMed ID: 17100995). This variant has not been reported in a large population database, indicating this variant is rare. Nonsense variants in PKD2 are expected to be pathogenic. This variant is interpreted as pathogenic.

Labcorp Genetics (formerly Invitae), Labcorp
Classification: Pathogenic for Autosomal dominant polycystic kidney disease. Last evaluated: 2022-06-21. Review status: criteria provided, single submitter. Criteria: Invitae Variant Classification Sherloc (09022015). Collection method: clinical testing. Allele origin: germline.
Comment: For these reasons, this variant has been classified as Pathogenic. ClinVar contains an entry for this variant (Variation ID: 805198). This premature translational stop signal has been observed in individual(s) with polycystic kidney disease (PMID: 17100995, 31740684). This variant is not present in population databases (gnomAD no frequency). This sequence change creates a premature translational stop signal (p.Trp455*) in the PKD2 gene. It is expected to result in an absent or disrupted protein product. Loss-of-function variants in PKD2 are known to be pathogenic (PMID: 17582161, 22863349).

Fulgent Genetics
Classification: Pathogenic for Polycystic kidney disease 2. Last evaluated: 2022-04-06. Review status: criteria provided, single submitter. Criteria: ACMG Guidelines, 2015. Collection method: clinical testing. Allele origin: unknown.

Blueprint Genetics
Classification: Pathogenic for PKD2-related disorders. Last evaluated: 2021-01-14. Review status: criteria provided, single submitter. Criteria: ACMG Guidelines, 2015. Collection method: clinical testing. Allele origin: germline. Affected: yes. Observed: 1 variant allele.

Athena Diagnostics
Classification: Pathogenic. Last evaluated: 2018-12-10. Review status: criteria provided, single submitter. Criteria: Athena Diagnostics Criteria. Collection method: clinical testing. Allele origin: germline.
Comment: The variant creates a premature nonsense codon, and is therefore predicted to result in the loss of a functional protein. Found in at least one symptomatic patient, and not found in general population data.

Literature cited by the submitters: PubMed 17100995 (cited by Labcorp Genetics (formerly Invitae), Labcorp and Athena Diagnostics); PubMed 31740684 (cited by Labcorp Genetics (formerly Invitae), Labcorp); PubMed 17582161 (cited by Labcorp Genetics (formerly Invitae), Labcorp); PubMed 22863349 (cited by Labcorp Genetics (formerly Invitae), Labcorp).